The following is an entry in ClinVar:

ClinVar aggregate classification (germline): Benign/Likely benign. Review status: criteria provided, multiple submitters, no conflicts (2 of 4 stars). 4 submissions from 4 submitters: Benign (1); Likely benign (3). Last evaluated 2025-10-18.

Conditions:
Familial cancer of breast. Also called: Hereditary breast cancer; hereditary breast carcinoma; BREAST CANCER, FAMILIAL. Identifiers: Orphanet 227535, MedGen C0346153, MONDO:0016419, OMIM 114480. Disease mechanism: loss of function.
Hereditary cancer-predisposing syndrome. Also called: Neoplastic Syndromes, Hereditary; Tumor predisposition; Hereditary Cancer Syndrome; Hereditary neoplastic syndrome. Identifiers: Orphanet 140162, MedGen C0027672, MeSH D009386, MONDO:0015356.
Ataxia-telangiectasia syndrome (AT). Also called: Ataxia telangiectasia (A-T); ATAXIA-TELANGIECTASIA, COMPLEMENTATION GROUP A; ATAXIA-TELANGIECTASIA, FRESNO VARIANT; Ataxia-telangiectasia; Ataxia-telangiectasia, complementation group E; LOUIS-BAR SYNDROME. Identifiers: Orphanet 100, MedGen C0004135, MONDO:0008840, OMIM 208900.

Submissions (4):

Labcorp Genetics (formerly Invitae), Labcorp
Classification: Likely benign for Ataxia-telangiectasia syndrome. Last evaluated: 2025-10-18. Review status: criteria provided, single submitter. Criteria: Invitae Variant Classification Sherloc (09022015). Collection method: clinical testing. Allele origin: germline.

Ambry Genetics
Classification: Likely benign for Hereditary cancer-predisposing syndrome. Last evaluated: 2025-02-05. Review status: criteria provided, single submitter. Criteria: Ambry Variant Classification Scheme 2023. Collection method: clinical testing. Allele origin: germline.

Myriad Genetics, Inc.
Classification: Benign for Familial cancer of breast. Last evaluated: 2024-06-05. Review status: criteria provided, single submitter. Criteria: Myriad Autosomal Dominant, Autosomal Recessive and X-Linked Classification Criteria (2023). Collection method: clinical testing. Allele origin: unknown.
Comment: This variant is considered benign. This variant is a silent/synonymous amino acid change and it is not expected to impact splicing.

Color Diagnostics, LLC DBA Color Health
Classification: Likely benign for Hereditary cancer-predisposing syndrome. Last evaluated: 2021-11-18. Review status: criteria provided, single submitter. Criteria: ACMG Guidelines, 2015. Collection method: clinical testing. Allele origin: germline.

NM_000051.4(ATM):c.6258T>C (p.Tyr2086=)

Genes: ATM (ATM serine/threonine kinase; plus strand), C11orf65 (chromosome 11 open reading frame 65; minus strand). Cytogenetic location: 11q22.3.
Variant type: single nucleotide variant.
Coding change: c.6258T>C on transcript NM_000051.4 (MANE Select); coding-DNA position 6258, T replaced by C.
Protein change: p.Tyr2086=; no amino-acid change (tyrosine 2086 retained).
Molecular consequence: synonymous variant. On other transcripts: intron variant (2).
Genome position (GRCh38, 1-based): chr11:108,317,432, T>C. VCF-style: chr11-108317432-T-C. GRCh37 (hg19) VCF-style: chr11-108188159-T-C.
Other names: c.6258T>C, p.Tyr2086= (NM_001351834.2); c.641-8361A>G (NM_001330368.2); c.*39-8361A>G (NM_001351110.2).
Identifiers: ClinVar variation 1134606 (VCV001134606.12), dbSNP rs1565502999, ClinGen allele CA476675984.